The following is an entry in ClinVar:

ClinVar aggregate classification (germline): Uncertain significance. Review status: criteria provided, multiple submitters, no conflicts (2 of 4 stars). 3 submissions from 3 submitters: Uncertain significance (3). Last evaluated 2025-03-25.

Conditions:
Cardiovascular phenotype. Identifiers: MedGen CN230736.
Brugada syndrome 6 (BRGDA6). Identifiers: Orphanet 130, MedGen C2751089, MONDO:0013145, OMIM 613119.

Allele frequency attached by ClinVar (database versions not stated): gnomAD exomes 0.00002; TOPMed 0.00002; ESP Exome Variant Server 0.00008.

Submissions (3):

GeneDx
Classification: Uncertain significance. Last evaluated: 2025-03-25. Review status: criteria provided, single submitter. Criteria: GeneDx Variant Classification Process June 2021. Collection method: clinical testing. Allele origin: germline. Affected: yes.
Comment: Has not been previously published as pathogenic or benign to our knowledge; In silico analysis supports that this missense variant has a deleterious effect on protein structure/function; Variants in candidate genes are classified as variants of uncertain significance in accordance with ACMG guidelines (PMID: 25741868)

Ambry Genetics
Classification: Uncertain significance for Cardiovascular phenotype. Last evaluated: 2024-01-16. Review status: criteria provided, single submitter. Criteria: Ambry Variant Classification Scheme 2023. Collection method: clinical testing. Allele origin: germline.
Comment: The p.R88H variant (also known as c.263G>A), located in coding exon 1 of the KCNE3 gene, results from a G to A substitution at nucleotide position 263. The arginine at codon 88 is replaced by histidine, an amino acid with highly similar properties. This amino acid position is highly conserved in available vertebrate species. In addition, the in silico prediction for this alteration is inconclusive. The evidence for this gene-disease relationship is limited; therefore, the clinical significance of this alteration is unclear.

Labcorp Genetics (formerly Invitae), Labcorp
Classification: Uncertain significance for Brugada syndrome 6. Last evaluated: 2024-01-10. Review status: criteria provided, single submitter. Criteria: Invitae Variant Classification Sherloc (09022015). Collection method: clinical testing. Allele origin: germline.
Comment: This sequence change replaces arginine, which is basic and polar, with histidine, which is basic and polar, at codon 88 of the KCNE3 protein (p.Arg88His). This variant is present in population databases (rs17221833, gnomAD 0.03%). This variant has not been reported in the literature in individuals affected with KCNE3-related conditions. ClinVar contains an entry for this variant (Variation ID: 190801). An algorithm developed to predict the effect of missense changes on protein structure and function (PolyPhen-2) suggests that this variant is likely to be disruptive. In summary, the available evidence is currently insufficient to determine the role of this variant in disease. Therefore, it has been classified as a Variant of Uncertain Significance.

NM_005472.5(KCNE3):c.263G>A (p.Arg88His)

Gene: KCNE3 (potassium voltage-gated channel subfamily E regulatory subunit 3; minus strand). Cytogenetic location: 11q13.4.
Variant type: single nucleotide variant.
Coding change: c.263G>A on transcript NM_005472.5 (MANE Select); coding-DNA position 263, G replaced by A.
Protein change: p.Arg88His; replaces arginine 88 with histidine.
Molecular consequence: missense variant.
Genome position (GRCh38, 1-based): chr11:74,457,301, C>T on the plus strand (G>A on the coding strand, the complement: KCNE3 is on the minus strand). VCF-style: chr11-74457301-C-T. GRCh37 (hg19) VCF-style: chr11-74168346-C-T.
Other names: p.R88H:CGT>CAT; short protein forms R88H.
Identifiers: ClinVar variation 190801 (VCV000190801.16), dbSNP rs17221833, ClinGen allele CA301999.